The following is an entry in ClinVar:

NM_001079802.2(FKTN):c.1336A>G (p.Asn446Asp)

Gene: FKTN (fukutin; plus strand). Cytogenetic location: 9q31.2.
Variant type: single nucleotide variant.
Coding change: c.1336A>G on transcript NM_001079802.2 (MANE Select); coding-DNA position 1336, A replaced by G.
Protein change: p.Asn446Asp; replaces asparagine 446 with aspartic acid.
Molecular consequence: missense variant. On other transcripts: 3 prime UTR variant (1), non-coding transcript variant (2), intron variant (1).
Genome position (GRCh38, 1-based): chr9:105,635,214, A>G. VCF-style: chr9-105635214-A-G. GRCh37 (hg19) VCF-style: chr9-108397495-A-G.
Other names: p.N446D:AAT>GAT; c.1336A>G, p.Asn446Asp (NM_001351496.2, NM_006731.2); c.1267A>G, p.Asn423Asp (NM_001351497.2); c.*128A>G (NM_001351498.2); c.940A>G, p.Asn314Asp (NM_001351499.2, NM_001351500.2, NM_001351501.2 and 1 more transcripts); c.1270+66A>G (NM_001198963.2); short protein forms N446D, N423D, N314D.
Identifiers: ClinVar variation 36138 (VCV000036138.61), dbSNP rs41313301, ClinGen allele CA285415.

ClinVar aggregate classification (germline): Conflicting classifications of pathogenicity. Review status: criteria provided, conflicting classifications (1 of 4 stars). 21 submissions from 20 submitters: Uncertain significance (1); Benign (8); Likely benign (5). 7 of the submissions do not count toward it. Last evaluated 2026-09-01.

Conditions:
Walker-Warburg congenital muscular dystrophy. Also called: Muscular dystrophy-dystroglycanopathy, type A; Walker-Warburg syndrome. Identifiers: Orphanet 899, MedGen C0265221, MONDO:0000171.
Cardiovascular phenotype. Identifiers: MedGen CN230736.
Cardiomyopathy (CMYO). Also called: Cardiomyopathies. Identifiers: Orphanet 167848, MedGen C0878544, MONDO:0004994, HP:0001638. Inheritance: Various modes of inheritance.
Muscular dystrophy-dystroglycanopathy (congenital with brain and eye anomalies), type A, 4 (MDDGA4). Also called: Muscular dystrophy, congenital progressive, with mental retardation; Muscular dystrophy, congenital, with central nervous system involvement; Cerebromuscular dystrophy, Fukuyama type; WALKER-WARBURG SYNDROME OR MUSCLE-EYE-BRAIN DISEASE, FKTN-RELATED; Fukuyama congenital muscular dystrophy; Congenital muscular dystrophy-dystroglycanopathy with brain and eye anomalies, type A4. Identifiers: Orphanet 272, Orphanet 588, Orphanet 899, MedGen C0410174, MONDO:0009678, OMIM 253800.
Dilated cardiomyopathy 1X (CMD1X). Also called: CARDIOMYOPATHY, DILATED, WITH MILD OR NO PROXIMAL MUSCLE WEAKNESS; FKTN-Related Dilated Cardiomyopathy. Identifiers: Orphanet 154, MedGen C1969024, MONDO:0012704, OMIM 611615.

Allele frequency attached by ClinVar (database versions not stated): 1000 Genomes Project 0.00519; ESP Exome Variant Server 0.00892; gnomAD 0.00853 and 0.00809; gnomAD exomes 0.01060 and 0.01130; ExAC 0.01189; 1000 Genomes Project 30x 0.00515; TOPMed 0.00829.
gnomAD v4.1: 16,809 of 1,614,160 alleles (1%); highest among the groups gnomAD compares: South Asian, 2.4%; 163 homozygotes.

Submissions (21):

CeGaT Center for Human Genetics Tuebingen
Classification: Benign. Last evaluated: 2026-09-01. Review status: criteria provided, single submitter. Criteria: CeGaT Center For Human Genetics Tuebingen Variant Classification Criteria Version 2. Collection method: clinical testing. Allele origin: germline. Affected: yes. Observed: 33 variant alleles.
Comment: FKTN: BP4, BS1, BS2

Labcorp Genetics (formerly Invitae), Labcorp
Classification: Benign for Walker-Warburg congenital muscular dystrophy. Last evaluated: 2026-02-04. Review status: criteria provided, single submitter. Criteria: Invitae Variant Classification Sherloc (09022015). Collection method: clinical testing. Allele origin: germline.

ARUP Laboratories, Molecular Genetics and Genomics, ARUP Laboratories
Classification: Benign. Last evaluated: 2025-04-10. Review status: criteria provided, single submitter. Criteria: ARUP Molecular Germline Variant Investigation Process 2024. Collection method: clinical testing. Allele origin: germline.

Molecular Diagnostic Laboratory for Inherited Cardiovascular Disease, Montreal Heart Institute
Classification: Likely benign. Last evaluated: 2025-04-09. Review status: criteria provided, single submitter. Criteria: ACMG Guidelines, 2015. Collection method: clinical testing. Allele origin: germline. Affected: no.

Athena Diagnostics
Classification: Benign. Last evaluated: 2023-10-20. Review status: criteria provided, single submitter. Criteria: Athena Diagnostics Criteria. Collection method: clinical testing. Allele origin: unknown.

Mayo Clinic Laboratories, Mayo Clinic
Classification: Benign. Last evaluated: 2023-01-05. Review status: criteria provided, single submitter. Criteria: ACMG Guidelines, 2015. Collection method: clinical testing. Allele origin: germline. Observed: 66 variant alleles.
Comment: BA1

Genome-Nilou Lab
Classification: Likely benign for Muscular dystrophy-dystroglycanopathy (congenital with brain and eye anomalies), type A, 4. Last evaluated: 2021-05-18. Review status: criteria provided, single submitter. Criteria: ACMG Guidelines, 2015. Collection method: clinical testing. Allele origin: germline. Affected: no.

Illumina Laboratory Services, Illumina
Classification: Likely benign for Muscular dystrophy-dystroglycanopathy (congenital with brain and eye anomalies), type A, 4. Last evaluated: 2017-04-27. Review status: criteria provided, single submitter. Criteria: ICSL Variant Classification Criteria 13 December 2019. Collection method: clinical testing. Allele origin: germline.
Comment: This variant was observed as part of a predisposition screen in an ostensibly healthy population. A literature search was performed for the gene, cDNA change, and amino acid change (where applicable). No publications were found based on this search. Allele frequency data from public databases allowed determination this variant is unlikely to cause disease. Therefore, this variant is classified as likely benign.

Illumina Laboratory Services, Illumina
Classification: Uncertain significance for Dilated cardiomyopathy 1X. Last evaluated: 2017-04-27. Review status: criteria provided, single submitter. Criteria: ICSL Variant Classification Criteria 13 December 2019. Collection method: clinical testing. Allele origin: germline.

Genetic Services Laboratory, University of Chicago
Classification: Likely benign. Last evaluated: 2015-08-03. Review status: criteria provided, single submitter. Criteria: ACMG Guidelines, 2015. Collection method: clinical testing. Allele origin: germline.

Ambry Genetics
Classification: Benign for Cardiovascular phenotype. Last evaluated: 2015-06-29. Review status: criteria provided, single submitter. Criteria: Ambry Variant Classification Scheme 2023. Collection method: clinical testing. Allele origin: germline.

GeneDx
Classification: Benign. Last evaluated: 2014-01-17. Review status: criteria provided, single submitter. Criteria: GeneDx Variant Classification (06012015). Collection method: clinical testing. Allele origin: germline. Affected: yes.
Comment: This variant is considered likely benign or benign based on one or more of the following criteria: it is a conservative change, it occurs at a poorly conserved position in the protein, it is predicted to be benign by multiple in silico algorithms, and/or has population frequency not consistent with disease.

Eurofins Ntd Llc (ga)
Classification: Benign. Last evaluated: 2012-12-06. Review status: criteria provided, single submitter. Criteria: EGL Classification Definitions 2015. Collection method: clinical testing. Allele origin: germline. Observed: 1 variant allele, 1 heterozygote.

PreventionGenetics, part of Exact Sciences
Classification: Likely benign. Review status: criteria provided, single submitter. Criteria: ACMG Guidelines, 2015. Collection method: clinical testing. Allele origin: germline.

Natera, Inc.
Classification: Benign for Walker-Warburg congenital muscular dystrophy. Last evaluated: 2021-02-26. Review status: no assertion criteria provided. Collection method: clinical testing. Allele origin: germline. Not counted in ClinVar's aggregate classification.

Women's Health and Genetics/Laboratory Corporation of America, LabCorp
Classification: Benign for Cardiomyopathy. Last evaluated: 2015-05-20. Review status: no assertion criteria provided. Collection method: clinical testing. Allele origin: germline. Not counted in ClinVar's aggregate classification.

Clinical Genetics DNA and cytogenetics Diagnostics Lab, Erasmus MC, Erasmus Medical Center
Classification: Benign. Review status: no assertion criteria provided. Collection method: clinical testing. Allele origin: germline. Affected: yes. Study: VKGL Data-share Consensus. Not counted in ClinVar's aggregate classification.

Clinical Genetics, Academic Medical Center
Classification: Likely benign. Review status: no assertion criteria provided. Collection method: clinical testing. Allele origin: germline. Affected: yes. Study: VKGL Data-share Consensus. Not counted in ClinVar's aggregate classification.

Diagnostic Laboratory, Department of Genetics, University Medical Center Groningen
Classification: Benign. Review status: no assertion criteria provided. Collection method: clinical testing. Allele origin: germline. Affected: yes. Study: VKGL Data-share Consensus. Not counted in ClinVar's aggregate classification.

Genome Diagnostics Laboratory, University Medical Center Utrecht
Classification: Benign. Review status: no assertion criteria provided. Collection method: clinical testing. Allele origin: germline. Affected: yes. Study: VKGL Data-share Consensus. Not counted in ClinVar's aggregate classification.

Laboratory of Diagnostic Genome Analysis, Leiden University Medical Center (LUMC)
Classification: Likely benign. Review status: no assertion criteria provided. Collection method: clinical testing. Allele origin: germline. Affected: yes. Study: VKGL Data-share Consensus. Not counted in ClinVar's aggregate classification.

Literature cited by the submitters: PubMed 17878207 (cited by Athena Diagnostics); PubMed 21102627 (cited by Athena Diagnostics); PubMed 14627679 (cited by Athena Diagnostics).